The following is an entry in ClinVar:

ClinVar aggregate classification (germline): Uncertain significance (1 of 4 stars; one submission).

Conditions:
MHC class II deficiency. Also called: Bare lymphocyte syndrome 2; BLS, TYPE II. Identifiers: Orphanet 572, MedGen C5447452, MONDO:0008855.

gnomAD v4.1: 2 of 1,614,166 alleles (0.00012%); highest among the groups gnomAD compares: Non-Finnish European, 0.00017%; no homozygotes.

Submission:

Labcorp Genetics (formerly Invitae), Labcorp
Classification: Uncertain significance for MHC class II deficiency. Last evaluated: 2021-07-04. Review status: criteria provided, single submitter. Criteria: Invitae Variant Classification Sherloc (09022015). Collection method: clinical testing. Allele origin: germline.
Comment: Algorithms developed to predict the effect of missense changes on protein structure and function (SIFT, PolyPhen-2, Align-GVGD) all suggest that this variant is likely to be tolerated. In summary, the available evidence is currently insufficient to determine the role of this variant in disease. Therefore, it has been classified as a Variant of Uncertain Significance. This variant has not been reported in the literature in individuals affected with CIITA-related conditions. This sequence change replaces leucine with valine at codon 171 of the CIITA protein (p.Leu171Val). The leucine residue is weakly conserved and there is a small physicochemical difference between leucine and valine. This variant is not present in population databases (ExAC no frequency).

NM_000246.4(CIITA):c.511C>G (p.Leu171Val)

Gene: CIITA (class II major histocompatibility complex transactivator; plus strand). Cytogenetic location: 16p13.13.
Variant type: single nucleotide variant.
Coding change: c.511C>G on transcript NM_000246.4 (MANE Select); coding-DNA position 511, C replaced by G.
Protein change: p.Leu171Val; replaces leucine 171 with valine.
Molecular consequence: missense variant. On other transcripts: non-coding transcript variant (1), intron variant (3).
Genome position (GRCh38, 1-based): chr16:10,902,067, C>G. VCF-style: chr16-10902067-C-G. GRCh37 (hg19) VCF-style: chr16-10995924-C-G.
Other names: c.514C>G, p.Leu172Val (NM_001286402.1, NM_001379332.1); c.511C>G, p.Leu171Val (NM_001379333.1); c.442C>G, p.Leu148Val (NM_001379334.1); c.484+509C>G (NM_001379330.1); c.481+509C>G (NM_001379331.1, NM_001286403.2); short protein forms L172V, L148V, L171V.
Identifiers: ClinVar variation 1364423 (VCV001364423.8), dbSNP rs901206559, ClinGen allele CA394728191.